The following is an entry in ClinVar:

ClinVar aggregate classification (germline): Pathogenic (1 of 4 stars; one submission).

Submission:

Labcorp Genetics (formerly Invitae), Labcorp
Classification: Pathogenic. Last evaluated: 2025-03-26. Review status: criteria provided, single submitter. Criteria: Invitae Variant Classification Sherloc (09022015). Collection method: clinical testing. Allele origin: germline.
Comment: This sequence change creates a premature translational stop signal (p.Leu260*) in the TNFAIP3 gene. It is expected to result in an absent or disrupted protein product. Loss-of-function variants in TNFAIP3 are known to be pathogenic (PMID: 26642243). This variant is not present in population databases (gnomAD no frequency). This variant has not been reported in the literature in individuals affected with TNFAIP3-related conditions. Algorithms developed to predict the effect of sequence changes on RNA splicing suggest that this variant may disrupt the consensus splice site. For these reasons, this variant has been classified as Pathogenic.

Literature cited by the submitters: PubMed 26642243.

NM_001270508.2(TNFAIP3):c.779T>A (p.Leu260Ter)

Genes: TNFAIP3 (TNF alpha induced protein 3; plus strand), LOC126859807 (MED14-independent group 3 enhancer GRCh37_chr6:138196296-138197495; plus strand). Cytogenetic location: 6q23.3.
Variant type: single nucleotide variant.
Coding change: c.779T>A on transcript NM_001270508.2 (MANE Select); coding-DNA position 779, T replaced by A.
Protein change: p.Leu260Ter; replaces leucine 260 with a stop codon.
Molecular consequence: nonsense.
Genome position (GRCh38, 1-based): chr6:137,876,140, T>A. VCF-style: chr6-137876140-T-A. GRCh37 (hg19) VCF-style: chr6-138197277-T-A.
Other names: c.779T>A, p.Leu260Ter (NM_001270507.2, NM_006290.4); short protein forms L260*.
Identifiers: ClinVar variation 4780646 (VCV004780646.1).
Genomic context (GRCh38, chr6:137,876,140, plus strand): 5'-CCCAGGAATGCTACAGATACCCCATTGTTCTCGGCTATGACAGCCATCATTTTGTACCCT[T>A]GGTGACCCTGAAGGACAGTGGGCCTGGTGAGAAAACTGCATTAATTCACATCTATAACTA-3'